The following is an entry in ClinVar:

NM_016239.4(MYO15A):c.648C>A (p.His216Gln)

Gene: MYO15A (myosin XVA; plus strand). Cytogenetic location: 17p11.2.
Variant type: single nucleotide variant.
Coding change: c.648C>A on transcript NM_016239.4 (MANE Select); coding-DNA position 648, C replaced by A.
Protein change: p.His216Gln; replaces histidine 216 with glutamine.
Molecular consequence: missense variant.
Genome position (GRCh38, 1-based): chr17:18,119,448, C>A. VCF-style: chr17-18119448-C-A. GRCh37 (hg19) VCF-style: chr17-18022762-C-A.
Other names: short protein forms H216Q.
Identifiers: ClinVar variation 1700341 (VCV001700341.2), dbSNP rs1328232912, ClinGen allele CA398574685.

ClinVar aggregate classification (germline): Uncertain significance (1 of 4 stars; one submission).

Allele frequency attached by ClinVar (database versions not stated): gnomAD exomes below 0.00001; gnomAD 0.00001; TOPMed 0.00001.
gnomAD v4.1: 3 of 1,612,516 alleles (0.00019%); highest among the groups gnomAD compares: African/African-American, 0.004%; no homozygotes.

Submission:

GeneDx
Classification: Uncertain significance. Last evaluated: 2022-02-04. Review status: criteria provided, single submitter. Criteria: GeneDx Variant Classification Process June 2021. Collection method: clinical testing. Allele origin: germline. Affected: yes.
Comment: Not observed at significant frequency in large population cohorts (gnomAD); In silico analysis supports that this missense variant does not alter protein structure/function; Has not been previously published as pathogenic or benign to our knowledge